The following is an entry in ClinVar:

ClinVar aggregate classification (germline): Pathogenic (1 of 4 stars; one submission).

Conditions:
Hereditary cancer-predisposing syndrome. Also called: Neoplastic Syndromes, Hereditary; Tumor predisposition; Hereditary neoplastic syndrome; Hereditary Cancer Syndrome. Identifiers: Orphanet 140162, MedGen C0027672, MeSH D009386, MONDO:0015356.

Submission:

Color Diagnostics, LLC DBA Color Health
Classification: Pathogenic for Hereditary cancer-predisposing syndrome. Last evaluated: 2020-02-14. Review status: criteria provided, single submitter. Criteria: ACMG Guidelines, 2015. Collection method: clinical testing. Allele origin: germline.
Comment: This variant inserts 1 nucleotide in exon 16 of the APC gene, creating a frameshift and premature translation stop signal. This variant is expected to result in an absent or non-functional protein product. To our knowledge, this variant has not been reported in individuals affected with hereditary cancer in the literature. This variant has not been identified in the general population by the Genome Aggregation Database (gnomAD). Loss of APC function is a known mechanism of disease. Based on the available evidence, this variant is classified as Pathogenic.

NM_000038.6(APC):c.2390dup (p.Gly797_Asp798insTer)

Gene: APC (APC regulator of Wnt signaling pathway; plus strand). Cytogenetic location: 5q22.2.
Variant type: Duplication.
Coding change: c.2390dup on transcript NM_000038.6 (MANE Select); coding-DNA position 2390, one base duplicated (G; older notation c.2390dupG).
Protein change: p.Gly797_Asp798insTer.
Molecular consequence: frameshift variant.
Genome position (GRCh38, 1-based): chr5:112,837,984, G duplicated; the last of 2 consecutive G bases (chr5:112,837,983-112,837,984); duplicating either gives the same sequence. VCF-style (leftmost placement, unchanged base first): chr5-112837982-T-TG. GRCh37 (hg19) VCF-style: chr5-112173679-T-TG.
Other names: c.2390dup, p.Gly797_Asp798insTer (NM_001127510.3, NM_001354895.2); c.2336dup, p.Gly779_Asp780insTer (NM_001127511.3); c.2444dup, p.Gly815_Asp816insTer (NM_001354896.2); c.2420dup, p.Gly807_Asp808insTer (NM_001354897.2); c.2315dup, p.Gly772_Asp773insTer (NM_001354898.2); c.2306dup, p.Gly769_Asp770insTer (NM_001354899.2); c.2267dup, p.Gly756_Asp757insTer (NM_001354900.2); c.2213dup, p.Gly738_Asp739insTer (NM_001354901.2); and 6 more.
Identifiers: ClinVar variation 628214 (VCV000628214.4), dbSNP rs1561576755, ClinGen allele CA913188193.